The following is an entry in ClinVar:

NM_000395.3(CSF2RB):c.679A>G (p.Ser227Gly)

Gene: CSF2RB (colony stimulating factor 2 receptor subunit beta; plus strand). Cytogenetic location: 22q12.3.
Variant type: single nucleotide variant.
Coding change: c.679A>G on transcript NM_000395.3 (MANE Select); coding-DNA position 679, A replaced by G.
Protein change: p.Ser227Gly; replaces serine 227 with glycine.
Molecular consequence: missense variant.
Genome position (GRCh38, 1-based): chr22:36,929,768, A>G. VCF-style: chr22-36929768-A-G. GRCh37 (hg19) VCF-style: chr22-37325810-A-G.
Other names: c.679A>G, p.Ser227Gly (NM_001410827.1); short protein forms S227G.
Identifiers: ClinVar variation 2753256 (VCV002753256.3), dbSNP rs2517990820, ClinGen allele CA411406627.

ClinVar aggregate classification (germline): Uncertain significance (1 of 4 stars; one submission).

Submission:

Labcorp Genetics (formerly Invitae), Labcorp
Classification: Uncertain significance. Last evaluated: 2024-10-22. Review status: criteria provided, single submitter. Criteria: Invitae Variant Classification Sherloc (09022015). Collection method: clinical testing. Allele origin: germline.
Comment: This sequence change replaces serine, which is neutral and polar, with glycine, which is neutral and non-polar, at codon 227 of the CSF2RB protein (p.Ser227Gly). This variant is not present in population databases (gnomAD no frequency). This variant has not been reported in the literature in individuals affected with CSF2RB-related conditions. Invitae Evidence Modeling of protein sequence and biophysical properties (such as structural, functional, and spatial information, amino acid conservation, physicochemical variation, residue mobility, and thermodynamic stability) indicates that this missense variant is expected to disrupt CSF2RB protein function with a positive predictive value of 80%. In summary, the available evidence is currently insufficient to determine the role of this variant in disease. Therefore, it has been classified as a Variant of Uncertain Significance.